The following is an entry in ClinVar:

NM_032409.3(PINK1):c.390_392del (p.Ile131del)

Gene: PINK1 (PTEN induced kinase 1; plus strand). Cytogenetic location: 1p36.12.
Variant type: Deletion.
Coding change: c.390_392del on transcript NM_032409.3 (MANE Select); coding-DNA positions 390 to 392, 3 bases deleted (AAT; older notation c.390_392delAAT).
Protein change: p.Ile131del; deletes isoleucine 131.
Molecular consequence: inframe deletion.
Genome position (GRCh38, 1-based): chr1:20,637,844-20,637,846, AAT deleted. VCF-style (leftmost placement, unchanged base first): chr1-20637843-CAAT-C. GRCh37 (hg19) VCF-style: chr1-20964336-CAAT-C.
Other names: short protein forms I131del.
Identifiers: ClinVar variation 3390121 (VCV003390121.14).
Genomic context (GRCh38, chr1:20,637,843, plus strand): 5'-CCCTTTTCTTGGGCCTTCCTAGGCTCCCTGGCTCACGGTGCATTCTTTTCTCATCACAGG[CAAT>C]TTTTACCCAGAAAAGCAAGCCGGGGCCTGACCCGTTGGACACGAGACGCTTGCAGGGCTT-3'

ClinVar aggregate classification (germline): Uncertain significance (1 of 4 stars; one submission).

Submission:

CeGaT Center for Human Genetics Tuebingen
Classification: Uncertain significance. Last evaluated: 2024-11-01. Review status: criteria provided, single submitter. Criteria: CeGaT Center For Human Genetics Tuebingen Variant Classification Criteria Version 2. Collection method: clinical testing. Allele origin: germline. Affected: yes. Observed: 1 variant allele.
Comment: PINK1: PM2, PM4:Supporting